The following is an entry in ClinVar:

ClinVar aggregate classification (germline): Uncertain significance. Review status: criteria provided, multiple submitters, no conflicts (2 of 4 stars). 6 submissions from 6 submitters: Uncertain significance (6). Last evaluated 2026-08-14.

Conditions:
Sick sinus syndrome 3, susceptibility to (SSS3). Identifiers: Orphanet 166282, MedGen C3279791, MONDO:0013568, OMIM 614090.
Hypertrophic cardiomyopathy 1 (CMH1). Also called: MYH7-Related Familial Hypertrophic Cardiomyopathy; Familial hypertrophic cardiomyopathy 1. Identifiers: MedGen C3495498, MONDO:0008647, OMIM 192600.
Atrial septal defect 3 (ASD3). Identifiers: Orphanet 1478, MedGen C3279790, MONDO:0013567, OMIM 614089.
Dilated cardiomyopathy 1EE (CMD1EE). Identifiers: Orphanet 154, MedGen C2750466, MONDO:0013198, OMIM 613252.
Hypertrophic cardiomyopathy 14. Identifiers: MedGen C2750467, MONDO:0013197, OMIM 613251.
Cardiovascular phenotype. Identifiers: MedGen CN230736.
MYH6-related disorder. Also called: MYH6-Related Disorders; MYH6-related condition.

Allele frequency attached by ClinVar (database versions not stated): TOPMed 0.00002; gnomAD 0.00005 and 0.00006; ESP Exome Variant Server 0.00008.
gnomAD v4.1: 67 of 1,614,060 alleles (0.0042%); highest among the groups gnomAD compares: African/African-American, 0.0053%; no homozygotes.

Submissions (6):

PreventionGenetics, part of Exact Sciences
Classification: Uncertain significance for MYH6-related condition. Last evaluated: 2026-08-14. Review status: criteria provided, single submitter. Criteria: ACMG Guidelines, 2015. Collection method: clinical testing. Allele origin: germline.
Comment: The MYH6 c.2716C>T variant is predicted to result in the amino acid substitution p.Arg906Cys. This variant has been reported in individuals with Brugada syndrome, hypertrophic cardiomyopathy, or congenital heart disease (Table S1, Lopes et al. 2014. PubMed ID: 25351510; Table S2, Di Resta et al. 2015. PubMed ID: 26220970; Table S4, Sierant et al. 2025. PubMed ID: 40127276); however, in studies where patient-level information was provided, other variants in this gene or other genes were also reported. This variant is reported in 0.010% of alleles in individuals of East Asian descent in gnomAD. At this time, the clinical significance of this variant is uncertain due to the absence of conclusive functional and genetic evidence.

Labcorp Genetics (formerly Invitae), Labcorp
Classification: Uncertain significance for Hypertrophic cardiomyopathy 14. Last evaluated: 2025-11-25. Review status: criteria provided, single submitter. Criteria: Invitae Variant Classification Sherloc (09022015). Collection method: clinical testing. Allele origin: germline.
Comment: This sequence change replaces arginine, which is basic and polar, with cysteine, which is neutral and slightly polar, at codon 906 of the MYH6 protein (p.Arg906Cys). This variant is present in population databases (rs143928061, gnomAD 0.01%). This missense change has been observed in individual(s) with Brugada syndrome (PMID: 26220970). ClinVar contains an entry for this variant (Variation ID: 642466). Invitae Evidence Modeling of protein sequence and biophysical properties (such as structural, functional, and spatial information, amino acid conservation, physicochemical variation, residue mobility, and thermodynamic stability) indicates that this missense variant is not expected to disrupt MYH6 protein function with a negative predictive value of 80%. In summary, the available evidence is currently insufficient to determine the role of this variant in disease. Therefore, it has been classified as a Variant of Uncertain Significance.

GeneDx
Classification: Uncertain significance. Last evaluated: 2025-06-24. Review status: criteria provided, single submitter. Criteria: GeneDx Variant Classification Process June 2021. Collection method: clinical testing. Allele origin: germline.
Comment: In silico analysis supports that this missense variant has a deleterious effect on protein structure/function; Identified in an individual with Brugada syndrome in published literature (PMID: 26220970); This variant is associated with the following publications: (PMID: 26220970, 25351510)

Ambry Genetics
Classification: Uncertain significance for Cardiovascular phenotype. Last evaluated: 2024-07-05. Review status: criteria provided, single submitter. Criteria: Ambry Variant Classification Scheme 2023. Collection method: clinical testing. Allele origin: germline.
Comment: The p.R906C variant (also known as c.2716C>T), located in coding exon 20 of the MYH6 gene, results from a C to T substitution at nucleotide position 2716. The arginine at codon 906 is replaced by cysteine, an amino acid with highly dissimilar properties. This variant has been detected in a Brugada syndrome cohort in an individual who also had variants in other cardiac-related genes, and in a hypertrophic cardiomyopathy cohort; however, details were limited (Di Resta C et al. Hum Mol Genet, 2015 Oct;24:5828-35; Lopes LR et al. Heart, 2015 Feb;101:294-301). This amino acid position is highly conserved in available vertebrate species. In addition, this alteration is predicted to be deleterious by in silico analysis. Since supporting evidence is limited at this time, the clinical significance of this alteration remains unclear.

Fulgent Genetics
Classification: Uncertain significance for Hypertrophic cardiomyopathy 1; Hypertrophic cardiomyopathy 14; Dilated cardiomyopathy 1EE; Atrial septal defect 3; Sick sinus syndrome 3, susceptibility to. Last evaluated: 2021-08-27. Review status: criteria provided, single submitter. Criteria: ACMG Guidelines, 2015. Collection method: clinical testing. Allele origin: unknown.

Department of Pathology and Laboratory Medicine, Sinai Health System
Classification: Uncertain significance for Hypertrophic cardiomyopathy 1; Hypertrophic cardiomyopathy 14; Dilated cardiomyopathy 1EE; Atrial septal defect 3; Sick sinus syndrome 3, susceptibility to. Last evaluated: 2021-07-30. Review status: criteria provided, single submitter. Criteria: ACMG Guidelines, 2015. Collection method: research. Allele origin: germline.

Literature cited by the submitters: PubMed 26220970 (cited by Labcorp Genetics (formerly Invitae), Labcorp and Ambry Genetics); PubMed 25351510 (cited by Ambry Genetics).

NM_002471.4(MYH6):c.2716C>T (p.Arg906Cys)

Gene: MYH6 (myosin heavy chain 6; minus strand). Cytogenetic location: 14q11.2.
Variant type: single nucleotide variant.
Coding change: c.2716C>T on transcript NM_002471.4 (MANE Select); coding-DNA position 2716, C replaced by T.
Protein change: p.Arg906Cys; replaces arginine 906 with cysteine.
Molecular consequence: missense variant.
Genome position (GRCh38, 1-based): chr14:23,393,878, G>A on the plus strand (C>T on the coding strand, the complement: MYH6 is on the minus strand). VCF-style: chr14-23393878-G-A. GRCh37 (hg19) VCF-style: chr14-23863087-G-A.
Other names: short protein forms R906C.
Identifiers: ClinVar variation 642466 (VCV000642466.14), dbSNP rs143928061, ClinGen allele CA7115383.